The following is an entry in ClinVar:

NM_000038.6(APC):c.4496G>A (p.Gly1499Glu)

Gene: APC (APC regulator of Wnt signaling pathway; plus strand). Cytogenetic location: 5q22.2.
Variant type: single nucleotide variant.
Coding change: c.4496G>A on transcript NM_000038.6 (MANE Select); coding-DNA position 4496, G replaced by A.
Protein change: p.Gly1499Glu; replaces glycine 1499 with glutamic acid.
Molecular consequence: missense variant.
Genome position (GRCh38, 1-based): chr5:112,840,090, G>A. VCF-style: chr5-112840090-G-A. GRCh37 (hg19) VCF-style: chr5-112175787-G-A.
Other names: c.4496G>A, p.Gly1499Glu (NM_001127510.3, NM_001354895.2); c.4442G>A, p.Gly1481Glu (NM_001127511.3); c.4550G>A, p.Gly1517Glu (NM_001354896.2); c.4526G>A, p.Gly1509Glu (NM_001354897.2); c.4421G>A, p.Gly1474Glu (NM_001354898.2); c.4412G>A, p.Gly1471Glu (NM_001354899.2); c.4373G>A, p.Gly1458Glu (NM_001354900.2); c.4319G>A, p.Gly1440Glu (NM_001354901.2); and 5 more; short protein forms G1481E, G1499E, G1339E, G1216E, G1373E, G1471E, G1398E, G1408E.
Identifiers: ClinVar variation 469969 (VCV000469969.10), dbSNP rs1278829075, ClinGen allele CA16031169.

ClinVar aggregate classification (germline): Uncertain significance (1 of 4 stars; one submission).

Conditions:
Familial adenomatous polyposis 1 (FAP1). Also called: POLYPOSIS, ADENOMATOUS INTESTINAL; FAMILIAL ADENOMATOUS POLYPOSIS 1, ATTENUATED. Identifiers: MedGen C2713442, MONDO:0021056, OMIM 175100. Disease mechanism: loss of function.

Submission:

Labcorp Genetics (formerly Invitae), Labcorp
Classification: Uncertain significance for Familial adenomatous polyposis 1. Last evaluated: 2024-04-23. Review status: criteria provided, single submitter. Criteria: Invitae Variant Classification Sherloc (09022015). Collection method: clinical testing. Allele origin: germline.
Comment: This sequence change replaces glycine, which is neutral and non-polar, with glutamic acid, which is acidic and polar, at codon 1499 of the APC protein (p.Gly1499Glu). This variant is not present in population databases (gnomAD no frequency). This variant has not been reported in the literature in individuals affected with APC-related conditions. ClinVar contains an entry for this variant (Variation ID: 469969). Advanced modeling of protein sequence and biophysical properties (such as structural, functional, and spatial information, amino acid conservation, physicochemical variation, residue mobility, and thermodynamic stability) performed at Invitae indicates that this missense variant is not expected to disrupt APC protein function with a negative predictive value of 95%. In summary, the available evidence is currently insufficient to determine the role of this variant in disease. Therefore, it has been classified as a Variant of Uncertain Significance.